The following is an entry in ClinVar:

ClinVar aggregate classification (germline): Uncertain significance (1 of 4 stars; one submission).

Submission:

GeneDx
Classification: Uncertain significance. Last evaluated: 2020-01-24. Review status: criteria provided, single submitter. Criteria: GeneDx Variant Classification Process June 2021. Collection method: clinical testing. Allele origin: germline. Affected: yes.
Comment: Not observed in large population cohorts (Lek et al., 2016); In silico analysis, which includes protein predictors and evolutionary conservation, supports a deleterious effect; Has not been previously published as pathogenic or benign to our knowledge

NM_001127644.2(GABRA1):c.476G>C (p.Arg159Thr)

Gene: GABRA1 (gamma-aminobutyric acid type A receptor subunit alpha1; plus strand). Cytogenetic location: 5q34.
Variant type: single nucleotide variant.
Coding change: c.476G>C on transcript NM_001127644.2 (MANE Select); coding-DNA position 476, G replaced by C.
Protein change: p.Arg159Thr; replaces arginine 159 with threonine.
Molecular consequence: missense variant.
Genome position (GRCh38, 1-based): chr5:161,873,337, G>C. VCF-style: chr5-161873337-G-C. GRCh37 (hg19) VCF-style: chr5-161300343-G-C.
Other names: c.476G>C, p.Arg159Thr (NM_000806.5, NM_001127643.2, NM_001127645.2 and 1 more transcripts); short protein forms R159T.
Identifiers: ClinVar variation 1303449 (VCV001303449.2), dbSNP rs2113381715, ClinGen allele CA362179166.